The following is an entry in ClinVar:

ClinVar aggregate classification (germline): Uncertain significance (1 of 4 stars; one submission).

gnomAD v4.1: 6 of 1,614,050 alleles (0.00037%); highest among the groups gnomAD compares: Admixed American, 0.0017%; no homozygotes.

Submission:

GeneDx
Classification: Uncertain significance. Last evaluated: 2026-02-19. Review status: criteria provided, single submitter. Criteria: GeneDx Variant Classification Process June 2021. Collection method: clinical testing. Allele origin: germline.
Comment: Not observed at significant frequency in large population cohorts (gnomAD); In silico analysis supports that this missense variant has a deleterious effect on protein structure/function; Within motor domain (PMID: 25512093, 25609763, 26100331); Has not been previously published as pathogenic or benign to our knowledge; This variant is associated with the following publications: (PMID: 25512093, 25609763, 26100331)

NM_001376.5(DYNC1H1):c.13313G>A (p.Cys4438Tyr)

Gene: DYNC1H1 (dynein cytoplasmic 1 heavy chain 1; plus strand). Cytogenetic location: 14q32.31.
Variant type: single nucleotide variant.
Coding change: c.13313G>A on transcript NM_001376.5 (MANE Select); coding-DNA position 13313, G replaced by A.
Protein change: p.Cys4438Tyr; replaces cysteine 4438 with tyrosine.
Molecular consequence: missense variant.
Genome position (GRCh38, 1-based): chr14:102,048,610, G>A. VCF-style: chr14-102048610-G-A. GRCh37 (hg19) VCF-style: chr14-102514947-G-A.
Other names: short protein forms C4438Y.
Identifiers: ClinVar variation 5009865 (VCV005009865.1).